The following is an entry in ClinVar:

NM_001042492.3(NF1):c.3107A>G (p.Lys1036Arg)

Gene: NF1 (neurofibromin 1; plus strand). Cytogenetic location: 17q11.2.
Variant type: single nucleotide variant.
Coding change: c.3107A>G on transcript NM_001042492.3 (MANE Select); coding-DNA position 3107, A replaced by G.
Protein change: p.Lys1036Arg; replaces lysine 1036 with arginine.
Molecular consequence: missense variant.
Genome position (GRCh38, 1-based): chr17:31,230,376, A>G. VCF-style: chr17-31230376-A-G. GRCh37 (hg19) VCF-style: chr17-29557394-A-G.
Other names: c.3107A>G, p.Lys1036Arg (NM_000267.4); short protein forms K1036R.
Identifiers: ClinVar variation 1443233 (VCV001443233.8), dbSNP rs1555614540, ClinGen allele CA398987706.
Genomic context (GRCh38, chr17:31,230,376, plus strand): 5'-GTCAATTAGTTGAAGTAATGATGGCAAGGAGAGATGACCTCTCATTTTGCCAAGAGATGA[A>G]ATTTAGGTGAGTTCTCAAAAGAGCAATGTAGGGTCTTGTAAATCTTAATATGTCCAATGA-3'
Protein context (NP_001035957.1, residues 1026-1046): RDDLSFCQEM[Lys1036Arg]FRNKMVEYLT

ClinVar aggregate classification (germline): Uncertain significance. Review status: criteria provided, multiple submitters, no conflicts (2 of 4 stars). 2 submissions from 2 submitters: Uncertain significance (2). Last evaluated 2022-01-12.

Conditions:
Hereditary cancer-predisposing syndrome. Also called: Tumor predisposition; Hereditary neoplastic syndrome; Hereditary Cancer Syndrome; Neoplastic Syndromes, Hereditary. Identifiers: Orphanet 140162, MedGen C0027672, MeSH D009386, MONDO:0015356.
Cardiovascular phenotype. Identifiers: MedGen CN230736.
Neurofibromatosis, type 1 (NF1). Also called: NEUROFIBROMATOSIS, TYPE I, SOMATIC; VON RECKLINGHAUSEN DISEASE; Peripheral type neurofibromatosis; Neurofibromatosis, type I. Identifiers: Orphanet 636, MedGen C0027831, MONDO:0018975, OMIM 162200. Disease mechanism: loss of function.

Allele frequency attached by ClinVar (database versions not stated): gnomAD exomes below 0.00001.
gnomAD v4.1: 2 of 1,613,434 alleles (0.00012%); highest among the groups gnomAD compares: Non-Finnish European, 0.00017%; no homozygotes.

Submissions (2):

Ambry Genetics
Classification: Uncertain significance for Cardiovascular phenotype; Hereditary cancer-predisposing syndrome. Last evaluated: 2022-01-12. Review status: criteria provided, single submitter. Criteria: Ambry Variant Classification Scheme 2023. Collection method: clinical testing. Allele origin: germline.
Comment: The p.K1036R variant (also known as c.3107A>G), located in coding exon 23 of the NF1 gene, results from an A to G substitution at nucleotide position 3107. The lysine at codon 1036 is replaced by arginine, an amino acid with highly similar properties. This amino acid position is conserved. In addition, this alteration is predicted to be tolerated by in silico analysis. Since supporting evidence is limited at this time, the clinical significance of this alteration remains unclear.

Labcorp Genetics (formerly Invitae), Labcorp
Classification: Uncertain significance for Neurofibromatosis, type 1. Last evaluated: 2021-07-28. Review status: criteria provided, single submitter. Criteria: Invitae Variant Classification Sherloc (09022015). Collection method: clinical testing. Allele origin: germline.
Comment: In summary, the available evidence is currently insufficient to determine the role of this variant in disease. Therefore, it has been classified as a Variant of Uncertain Significance. Algorithms developed to predict the effect of missense changes on protein structure and function are either unavailable or do not agree on the potential impact of this missense change (SIFT: "Tolerated"; PolyPhen-2: "Probably Damaging"; Align-GVGD: "Class C0"). This variant has not been reported in the literature in individuals affected with NF1-related conditions. This variant is not present in population databases (ExAC no frequency). This sequence change replaces lysine with arginine at codon 1036 of the NF1 protein (p.Lys1036Arg). The lysine residue is moderately conserved and there is a small physicochemical difference between lysine and arginine.